The following is an entry in ClinVar:

NM_004055.5(CAPN5):c.1260G>A (p.Glu420=)

Gene: CAPN5 (calpain 5; plus strand). Cytogenetic location: 11q13.5.
Variant type: single nucleotide variant.
Coding change: c.1260G>A on transcript NM_004055.5 (MANE Select); coding-DNA position 1260, G replaced by A.
Protein change: p.Glu420=; no amino-acid change (glutamic acid 420 retained).
Molecular consequence: synonymous variant.
Genome position (GRCh38, 1-based): chr11:77,119,122, G>A. VCF-style: chr11-77119122-G-A. GRCh37 (hg19) VCF-style: chr11-76830168-G-A.
Identifiers: ClinVar variation 1900658 (VCV001900658.5), dbSNP rs80202956, ClinGen allele CA475792961.

ClinVar aggregate classification (germline): Uncertain significance (1 of 4 stars; one submission).

Allele frequency attached by ClinVar (database versions not stated): gnomAD exomes below 0.00001; TOPMed 0.00004.
gnomAD v4.1: 4 of 1,613,490 alleles (0.00025%); highest among the groups gnomAD compares: Admixed American, 0.0017%; no homozygotes.

Submission:

Labcorp Genetics (formerly Invitae), Labcorp
Classification: Uncertain significance. Last evaluated: 2022-08-10. Review status: criteria provided, single submitter. Criteria: Invitae Variant Classification Sherloc (09022015). Collection method: clinical testing. Allele origin: germline.
Comment: In summary, the available evidence is currently insufficient to determine the role of this variant in disease. Therefore, it has been classified as a Variant of Uncertain Significance. Algorithms developed to predict the effect of sequence changes on RNA splicing suggest that this variant may disrupt the consensus splice site. This variant has not been reported in the literature in individuals affected with CAPN5-related conditions. This variant is present in population databases (no rsID available, gnomAD 0.003%). This sequence change affects codon 420 of the CAPN5 mRNA. It is a 'silent' change, meaning that it does not change the encoded amino acid sequence of the CAPN5 protein.